The following is an entry in ClinVar:

ClinVar aggregate classification (germline): Uncertain significance (1 of 4 stars; one submission).

Conditions:
Intellectual developmental disorder, autosomal dominant 6, with or without seizures. Also called: Intellectual disability, autosomal dominant 6; GRIN2B-related developmental delay, intellectual disability and autism spectrum disorder. Identifiers: Orphanet 589547, MedGen C3151411, MONDO:0013509, OMIM 613970.
Developmental and epileptic encephalopathy, 27 (DEE27). Also called: Epileptic encephalopathy, early infantile, 27; GRIN2B-Related Neurodevelopmental Disorder. Identifiers: Orphanet 3451, MedGen C4015316, MONDO:0014505, OMIM 616139.

Submission:

Labcorp Genetics (formerly Invitae), Labcorp
Classification: Uncertain significance for Developmental and epileptic encephalopathy, 27; Mental retardation, autosomal dominant 6. Last evaluated: 2019-10-23. Review status: criteria provided, single submitter. Criteria: Invitae Variant Classification Sherloc (09022015). Collection method: clinical testing. Allele origin: germline.
Comment: This sequence change results in a premature translational stop signal in the GRIN2B gene (p.Cys946*). While this is not anticipated to result in nonsense mediated decay, it is expected to disrupt the last 539 amino acids of the GRIN2B protein. This variant is not present in population databases (ExAC no frequency). This variant has not been reported in the literature in individuals with GRIN2B-related conditions. Experimental studies and prediction algorithms are not available or were not evaluated, and the functional significance of this variant is currently unknown. In summary, the available evidence is currently insufficient to determine the role of this variant in disease. Therefore, it has been classified as a Variant of Uncertain Significance.

NM_000834.5(GRIN2B):c.2834_2837dup (p.Cys946Ter)

Gene: GRIN2B (glutamate ionotropic receptor NMDA type subunit 2B; minus strand). Cytogenetic location: 12p13.1.
Variant type: Duplication.
Coding change: c.2834_2837dup on transcript NM_000834.5 (MANE Select); coding-DNA positions 2834 to 2837, 4 bases duplicated (ACTG; older notation c.2834_2837dupACTG).
Protein change: p.Cys946Ter; replaces cysteine 946 with a stop codon.
Molecular consequence: nonsense.
Genome position (GRCh38, 1-based): chr12:13,564,401-13,564,404, CAGT duplicated on the plus strand (ACTG on the coding strand, the reverse complement: GRIN2B is on the minus strand); duplicating any 4 consecutive bases within chr12:13,564,401-13,564,407 gives the same sequence; the c. name uses the placement nearest the transcript's 3' end. VCF-style (leftmost placement, unchanged base first): chr12-13564400-G-GCAGT. GRCh37 (hg19) VCF-style: chr12-13717334-G-GCAGT.
Other names: short protein forms C946*.
Identifiers: ClinVar variation 971807 (VCV000971807.1), dbSNP rs1948606788, ClinGen allele CA1139662522.